The following is an entry in ClinVar:

NM_001384732.1(CPLANE1):c.9223C>A (p.Pro3075Thr)

Gene: CPLANE1 (ciliogenesis and planar polarity effector complex subunit 1; minus strand). Cytogenetic location: 5p13.2.
Variant type: single nucleotide variant.
Coding change: c.9223C>A on transcript NM_001384732.1 (MANE Select); coding-DNA position 9223, C replaced by A.
Protein change: p.Pro3075Thr; replaces proline 3075 with threonine.
Molecular consequence: missense variant.
Genome position (GRCh38, 1-based): chr5:37,120,303, G>T on the plus strand (C>A on the coding strand, the complement: CPLANE1 is on the minus strand). VCF-style: chr5-37120303-G-T. GRCh37 (hg19) VCF-style: chr5-37120405-G-T.
Other names: c.9061C>A, p.Pro3021Thr (NM_023073.4); short protein forms P3021T, P3075T.
Identifiers: ClinVar variation 3682956 (VCV003682956.2).
Genomic context (GRCh38, chr5:37,120,303, plus strand): 5'-GCCCAAAAGACTTCCTCTTATGGATATAACTCGGTTTGGACATATATTTGACTTTTCCAG[G>T]TCGATTTATTAGAAAACTGTGACCATGTTGATTCTCTCTATAGTAGAAATCACATAATTA-3'
Protein context (NP_001371661.1, residues 3065-3085): QHGHSFLINR[Pro3075Thr]GKVKYMSKPS

ClinVar aggregate classification (germline): Uncertain significance (1 of 4 stars; one submission).

gnomAD v4.1: 4 of 1,594,216 alleles (0.00025%); highest among the groups gnomAD compares: Non-Finnish European, 0.00034%; no homozygotes.

Submission:

Labcorp Genetics (formerly Invitae), Labcorp
Classification: Uncertain significance. Last evaluated: 2024-04-02. Review status: criteria provided, single submitter. Criteria: Invitae Variant Classification Sherloc (09022015). Collection method: clinical testing. Allele origin: germline.
Comment: This sequence change replaces proline, which is neutral and non-polar, with threonine, which is neutral and polar, at codon 3021 of the CPLANE1 protein (p.Pro3021Thr). This variant is not present in population databases (gnomAD no frequency). This variant has not been reported in the literature in individuals affected with CPLANE1-related conditions. Advanced modeling of protein sequence and biophysical properties (such as structural, functional, and spatial information, amino acid conservation, physicochemical variation, residue mobility, and thermodynamic stability) performed at Invitae indicates that this missense variant is not expected to disrupt CPLANE1 protein function with a negative predictive value of 95%. In summary, the available evidence is currently insufficient to determine the role of this variant in disease. Therefore, it has been classified as a Variant of Uncertain Significance.